The following is an entry in ClinVar:

ClinVar aggregate classification (germline): Likely pathogenic (1 of 4 stars; one submission).

Submission:

Labcorp Genetics (formerly Invitae), Labcorp
Classification: Likely pathogenic. Last evaluated: 2023-04-04. Review status: criteria provided, single submitter. Criteria: Invitae Variant Classification Sherloc (09022015). Collection method: clinical testing. Allele origin: unknown.
Comment: In summary, the currently available evidence indicates that the variant is pathogenic, but additional data are needed to prove that conclusively. Therefore, this variant has been classified as Likely Pathogenic. This variant disrupts a region of the TPO protein in which other variant(s) (p.Gly387Arg) have been observed in individuals with TPO-related conditions (PMID: 17547680). This suggests that this is a clinically significant region of the protein, and that variants that disrupt it are likely to be disease-causing. This variant has not been reported in the literature in individuals affected with TPO-related conditions. This variant results in the deletion of part of exon 8 (c.995_1338+763del) of the TPO gene. It is expected to disrupt RNA splicing. Variants that disrupt the donor or acceptor splice site typically lead to a loss of protein function (PMID: 16199547), and loss-of-function variants in TPO are known to be pathogenic (PMID: 11061528, 23236987, 25564141).

Literature cited by the submitters: PubMed 17547680; PubMed 16199547; PubMed 11061528; PubMed 23236987; PubMed 25564141.

NC_000002.11:g.(?_1481033)_(1482139_?)del

Gene: TPO (thyroid peroxidase; plus strand). Cytogenetic location: 2p25.3.
Variant type: Deletion.
Identifiers: ClinVar variation 3247470 (VCV003247470.1).